The following is an entry in ClinVar:

ClinVar aggregate classification (germline): Likely pathogenic. Review status: criteria provided, multiple submitters, no conflicts (2 of 4 stars). 2 submissions from 2 submitters: Likely pathogenic (2). Last evaluated 2025-06-04.

Conditions:
Hyperinsulinemic hypoglycemia, familial, 2. Also called: HYPERINSULINEMIC HYPOGLYCEMIA, PERSISTENT; HYPERINSULINISM, NEONATAL. Identifiers: Orphanet 276580, Orphanet 276603, MedGen C2931833, MONDO:0011153, OMIM 601820. Disease mechanism: loss of function.

Submissions (2):

First Genomix Gene Laboratory, Genetic Diagnostics Department
Classification: Likely pathogenic for Hyperinsulinemic hypoglycemia, familial, 2. Last evaluated: 2025-06-04. Review status: criteria provided, single submitter. Criteria: ACMG Guidelines, 2015. Collection method: clinical testing. Allele origin: germline. Inheritance: Autosomal recessive inheritance. Affected: no. Observed: 1 variant allele.

Labcorp Genetics (formerly Invitae), Labcorp
Classification: Likely pathogenic. Last evaluated: 2023-03-26. Review status: criteria provided, single submitter. Criteria: Invitae Variant Classification Sherloc (09022015). Collection method: clinical testing. Allele origin: germline.
Comment: In summary, the currently available evidence indicates that the variant is pathogenic, but additional data are needed to prove that conclusively. Therefore, this variant has been classified as Likely Pathogenic. Experimental studies have shown that this missense change affects KCNJ11 function (PMID: 14699091). Advanced modeling of protein sequence and biophysical properties (such as structural, functional, and spatial information, amino acid conservation, physicochemical variation, residue mobility, and thermodynamic stability) performed at Invitae indicates that this missense variant is expected to disrupt KCNJ11 protein function. ClinVar contains an entry for this variant (Variation ID: 2137001). This missense change has been observed in individuals with autosomal recessive hyperinsulinism (PMID: 10204114; external communication). This variant is not present in population databases (gnomAD no frequency). This sequence change replaces tryptophan, which is neutral and slightly polar, with arginine, which is basic and polar, at codon 91 of the KCNJ11 protein (p.Trp91Arg).

Literature cited by the submitters: PubMed 14699091 (cited by Labcorp Genetics (formerly Invitae), Labcorp); PubMed 10204114 (cited by Labcorp Genetics (formerly Invitae), Labcorp).

NM_000525.4(KCNJ11):c.271T>C (p.Trp91Arg)

Gene: KCNJ11 (potassium inwardly rectifying channel subfamily J member 11; minus strand). Cytogenetic location: 11p15.1.
Variant type: single nucleotide variant.
Coding change: c.271T>C on transcript NM_000525.4 (MANE Select); coding-DNA position 271, T replaced by C.
Protein change: p.Trp91Arg; replaces tryptophan 91 with arginine.
Molecular consequence: missense variant.
Genome position (GRCh38, 1-based): chr11:17,387,821, A>G on the plus strand (T>C on the coding strand, the complement: KCNJ11 is on the minus strand). VCF-style: chr11-17387821-A-G. GRCh37 (hg19) VCF-style: chr11-17409368-A-G.
Other names: c.10T>C, p.Trp4Arg (NM_001166290.2, NM_001377296.1, NM_001377297.1); short protein forms W4R, W91R.
Identifiers: ClinVar variation 2137001 (VCV002137001.5), dbSNP rs2496411563, ClinGen allele CA379774937.